The following is an entry in ClinVar:

NM_016277.5(RAB23):c.244G>C (p.Ala82Pro)

Gene: RAB23 (RAB23, member RAS oncogene family; minus strand). Cytogenetic location: 6p12.1.
Variant type: single nucleotide variant.
Coding change: c.244G>C on transcript NM_016277.5 (MANE Select); coding-DNA position 244, G replaced by C.
Protein change: p.Ala82Pro; replaces alanine 82 with proline.
Molecular consequence: missense variant.
Genome position (GRCh38, 1-based): chr6:57,196,604, C>G on the plus strand (G>C on the coding strand, the complement: RAB23 is on the minus strand). VCF-style: chr6-57196604-C-G. GRCh37 (hg19) VCF-style: chr6-57061402-C-G.
Other names: c.244G>C, p.Ala82Pro (NM_001278666.2, NM_001278667.2, NM_001278668.2 and 1 more transcripts); short protein forms A82P.
Identifiers: ClinVar variation 858703 (VCV000858703.10), dbSNP rs766250966, ClinGen allele CA3873861.

ClinVar aggregate classification (germline): Uncertain significance. Review status: criteria provided, multiple submitters, no conflicts (2 of 4 stars). 2 submissions from 2 submitters: Uncertain significance (2). Last evaluated 2026-02-12.

Conditions:
Carpenter syndrome. Identifiers: Orphanet 65759, MedGen C1275078, MONDO:0019012.
RAB23-related disorder. Also called: RAB23-related condition.

Allele frequency attached by ClinVar (database versions not stated): gnomAD 0.00001; gnomAD exomes 0.00001; TOPMed 0.00002.
gnomAD v4.1: 9 of 1,613,378 alleles (0.00056%); highest among the groups gnomAD compares: Non-Finnish European, 0.00076%; no homozygotes.

Submissions (2):

PreventionGenetics, part of Exact Sciences
Classification: Uncertain significance for RAB23-related condition. Last evaluated: 2026-02-12. Review status: criteria provided, single submitter. Criteria: ACMG Guidelines, 2015. Collection method: clinical testing. Allele origin: germline.
Comment: The RAB23 c.244G>C variant is predicted to result in the amino acid substitution p.Ala82Pro. To our knowledge, this variant has not been reported in the literature. This variant is reported in 0.00089% of alleles in individuals of European (non-Finnish) descent in gnomAD. At this time, the clinical significance of this variant is uncertain due to the absence of conclusive functional and genetic evidence.

Labcorp Genetics (formerly Invitae), Labcorp
Classification: Uncertain significance for Carpenter syndrome. Last evaluated: 2025-08-11. Review status: criteria provided, single submitter. Criteria: Invitae Variant Classification Sherloc (09022015). Collection method: clinical testing. Allele origin: germline.
Comment: This sequence change replaces alanine, which is neutral and non-polar, with proline, which is neutral and non-polar, at codon 82 of the RAB23 protein (p.Ala82Pro). This variant is present in population databases (rs766250966, gnomAD 0.0009%). This missense change has been observed in individual(s) with clinical features of Carpenter syndrome (internal data). ClinVar contains an entry for this variant (Variation ID: 858703). An algorithm developed to predict the effect of missense changes on protein structure and function (PolyPhen-2) suggests that this variant is likely to be disruptive. In summary, the available evidence is currently insufficient to determine the role of this variant in disease. Therefore, it has been classified as a Variant of Uncertain Significance.